The following is an entry in ClinVar:

NM_015100.4(POGZ):c.3309_3310del (p.Phe1104fs)

Gene: POGZ (pogo transposable element derived with ZNF domain; minus strand). Cytogenetic location: 1q21.3.
Variant type: Microsatellite.
Coding change: c.3309_3310del on transcript NM_015100.4 (MANE Select); coding-DNA positions 3309 to 3310, 2 bases deleted (CT; older notation c.3309_3310delCT).
Protein change: p.Phe1104fs; shifts the reading frame from phenylalanine 1104.
Molecular consequence: frameshift variant.
Genome position (GRCh38, 1-based): chr1:151,405,725-151,405,726, AG deleted on the plus strand (CT on the coding strand, the reverse complement: POGZ is on the minus strand); deleting any 2 consecutive bases within chr1:151,405,725-151,405,728 gives the same sequence; the c. name uses the placement nearest the transcript's 3' end. VCF-style (leftmost placement, unchanged base first): chr1-151405724-AAG-A. GRCh37 (hg19) VCF-style: chr1-151378200-AAG-A.
Other names: c.3282_3283del, p.Phe1095fs (NM_001194937.2); c.3123_3124del, p.Phe1042fs (NM_001194938.2); c.3024_3025del, p.Phe1009fs (NM_145796.4); c.3150_3151del, p.Phe1051fs (NM_207171.2); short protein forms F1051fs, F1042fs, F1095fs, F1009fs, F1104fs.
Identifiers: ClinVar variation 817667 (VCV000817667.1), dbSNP rs1571323536, ClinGen allele CA915941411.

ClinVar aggregate classification (germline): Pathogenic (1 of 4 stars; one submission).

Submission:

GeneDx
Classification: Pathogenic. Last evaluated: 2018-05-18. Review status: criteria provided, single submitter. Criteria: GeneDx Variant Classification (06012015). Collection method: clinical testing. Allele origin: germline. Affected: yes.
Comment: The c.3309_3310delCT variant in the POGZ gene has not been reported previously as a pathogenic variant nor as a benign variant, to our knowledge. This variant causes a frameshift starting with codon Phenylalanine 1104, changes this amino acid to a Histidine residue, and creates a premature Stop codon at position 2 of the new reading frame, denoted p.Phe1104HisfsX2. The c.3309_3310delCT variant is predicted to cause loss of normal protein function through protein truncation. This variant is not observed in large population cohorts (Lek et al., 2016). We interpret c.3309_3310delCT as a pathogenic variant